The following is an entry in ClinVar:

ClinVar aggregate classification (germline): Uncertain significance (1 of 4 stars; one submission).

Conditions:
Cardiovascular phenotype. Identifiers: MedGen CN230736.

Submission:

Ambry Genetics
Classification: Uncertain significance for Cardiovascular phenotype. Last evaluated: 2026-08-05. Review status: criteria provided, single submitter. Criteria: Ambry Variant Classification Scheme 2023. Collection method: clinical testing. Allele origin: germline.
Comment: The p.Q33K variant (also known as c.97C>A), located in coding exon 2 of the ENG gene, results from a C to A substitution at nucleotide position 97. The glutamine at codon 33 is replaced by lysine, an amino acid with similar properties. This amino acid position is conserved. In addition, this alteration is predicted to be tolerated by in silico analysis. Based on the available evidence, the clinical significance of this variant remains unclear.

NM_001114753.3(ENG):c.97C>A (p.Gln33Lys)

Gene: ENG (endoglin; minus strand). Cytogenetic location: 9q34.11.
Variant type: single nucleotide variant.
Coding change: c.97C>A on transcript NM_001114753.3 (MANE Select); coding-DNA position 97, C replaced by A.
Protein change: p.Gln33Lys; replaces glutamine 33 with lysine.
Molecular consequence: missense variant. On other transcripts: 5 prime UTR variant (1).
Genome position (GRCh38, 1-based): chr9:127,843,216, G>T on the plus strand (C>A on the coding strand, the complement: ENG is on the minus strand). VCF-style: chr9-127843216-G-T. GRCh37 (hg19) VCF-style: chr9-130605495-G-T.
Other names: c.97C>A, p.Gln33Lys (NM_000118.4, NM_001406715.1); c.-450C>A (NM_001278138.2); short protein forms Q33K.
Identifiers: ClinVar variation 5035972 (VCV005035972.1).
Genomic context (GRCh38, chr9:127,843,216, plus strand): 5'-AGCCCTTCGAGACCTGGCTAGTGGTATATGTCACCTCGCCCCTCTCGGGGCCCACAGGCT[G>T]AAGGTCACAATGGACTGTTTCTGCAAGACCTGTTGGAGAAACATCCGGAAAGAGGCCAGG-3'
Protein context (NP_001108225.1, residues 23-43): SLAETVHCDL[Gln33Lys]PVGPERGEVT